The following is an entry in ClinVar:

NM_015040.4(PIKFYVE):c.*2738A>G

Gene: PIKFYVE (phosphoinositide kinase, FYVE-type zinc finger containing; plus strand). Cytogenetic location: 2q34.
Variant type: single nucleotide variant.
Coding change: c.*2738A>G on transcript NM_015040.4 (MANE Select); 2738 bases downstream of the stop codon, A replaced by G.
Molecular consequence: 3 prime UTR variant.
Genome position (GRCh38, 1-based): chr2:208,358,043, A>G. VCF-style: chr2-208358043-A-G. GRCh37 (hg19) VCF-style: chr2-209222767-A-G.
Identifiers: ClinVar variation 333976 (VCV000333976.5), dbSNP rs553290241, ClinGen allele CA10612654.
Genomic context (GRCh38, chr2:208,358,043, plus strand): 5'-AATTCTGACCTAAGAAAAATAATGAGAACAAGCTGTTGCAAGCTCTTTTGTAGTCTATTG[A>G]ATATTTTATAGATATTCAAAATTTCCTACAAACTATAATTTTTTCCATGATTTAGCAGTG-3'

ClinVar aggregate classification (germline): Benign (1 of 4 stars; one submission).

Conditions:
Fleck corneal dystrophy (CFD). Also called: CORNEAL DYSTROPHY, FRANCOIS-NEETENS SPECKLED OR FLECKED. Identifiers: Orphanet 98970, MedGen C1562113, MONDO:0007376, OMIM 121850.

Allele frequency attached by ClinVar (database versions not stated): gnomAD 0.00002 and 0.00039; TOPMed 0.00008; 1000 Genomes Project 30x 0.00250; 1000 Genomes Project 0.00260.

Submission:

Illumina Laboratory Services, Illumina
Classification: Benign for Fleck corneal dystrophy. Last evaluated: 2018-01-13. Review status: criteria provided, single submitter. Criteria: ICSL Variant Classification Criteria 13 December 2019. Collection method: clinical testing. Allele origin: germline.
Comment: This variant was observed in the ICSL laboratory as part of a predisposition screen in an ostensibly healthy population. It had not been previously curated by ICSL or reported in the Human Gene Mutation Database (HGMD: prior to June 1st, 2018), and was therefore a candidate for classification through an automated scoring system. Utilizing variant allele frequency, disease prevalence and penetrance estimates, and inheritance mode, an automated score was calculated to assess if this variant is too frequent to cause the disease. Based on the score and internal cut-off values, a variant classified as benign is not then subjected to further curation. The score for this variant resulted in a classification of benign for this disease.